The following is an entry in ClinVar:

ClinVar aggregate classification (germline): Uncertain significance (1 of 4 stars; one submission).

gnomAD v4.1: 63 of 1,614,050 alleles (0.0039%); highest among the groups gnomAD compares: Non-Finnish European, 0.0039%; no homozygotes.

Submissions (2):

Labcorp Genetics (formerly Invitae), Labcorp
Classification: Uncertain significance. Last evaluated: 2024-06-09. Review status: criteria provided, single submitter. Criteria: Invitae Variant Classification Sherloc (09022015). Collection method: clinical testing. Allele origin: germline.
Comment: This sequence change replaces tyrosine, which is neutral and polar, with cysteine, which is neutral and slightly polar, at codon 371 of the ITSN2 protein (p.Tyr371Cys). This variant is present in population databases (rs371731551, gnomAD 0.04%). This variant has not been reported in the literature in individuals affected with ITSN2-related conditions. An algorithm developed to predict the effect of missense changes on protein structure and function (PolyPhen-2) suggests that this variant is likely to be disruptive. In summary, the available evidence is currently insufficient to determine the role of this variant in disease. Therefore, it has been classified as a Variant of Uncertain Significance.

Dr. Peter K. Rogan Lab, Western University
No classification provided (evidence only). Condition: Familial cancer of breast. Review status: no classification provided. Collection method: in vitro. Allele origin: not applicable. Functional consequence: skipped exon. Not counted in ClinVar's aggregate classification.

NM_006277.3(ITSN2):c.1112A>G (p.Tyr371Cys)

Gene: ITSN2 (intersectin 2; minus strand). Cytogenetic location: 2p23.3.
Variant type: single nucleotide variant.
Coding change: c.1112A>G on transcript NM_006277.3 (MANE Select); coding-DNA position 1112, A replaced by G.
Protein change: p.Tyr371Cys; replaces tyrosine 371 with cysteine.
Molecular consequence: missense variant.
Genome position (GRCh38, 1-based): chr2:24,300,141, T>C on the plus strand (A>G on the coding strand, the complement: ITSN2 is on the minus strand). VCF-style: chr2-24300141-T-C. GRCh37 (hg19) VCF-style: chr2-24523010-T-C.
Other names: c.1070A>G, p.Tyr357Cys (NM_001348181.2, NM_001348184.2); c.1112A>G, p.Tyr371Cys (NM_001348182.2, NM_001348183.2, NM_001348185.2 and 3 more transcripts); short protein forms Y357C, Y371C.
Identifiers: ClinVar variation 3706000 (VCV003706000.3).